The following is an entry in ClinVar:

ClinVar aggregate classification (germline): Conflicting classifications of pathogenicity. Review status: criteria provided, conflicting classifications (1 of 4 stars). 4 submissions from 4 submitters: Pathogenic (1); Likely pathogenic (2); Uncertain significance (1). Last evaluated 2025-09-29.

Conditions:
Marfan syndrome (MFS). Also called: MARFAN SYNDROME, TYPE I; FBN1-Related Marfan Syndrome; Marfan syndrome type 1; Marfan's syndrome; Marfan syndrome, classic. Identifiers: Orphanet 284963, Orphanet 558, MedGen C0024796, MONDO:0007947, OMIM 154700.
Familial thoracic aortic aneurysm and aortic dissection (TAAD). Also called: Thoracic aortic aneurysms and dissections. Identifiers: Orphanet 91387, MedGen C4707243, MONDO:0019625.

Submissions (4):

GeneDx
Classification: Likely pathogenic. Last evaluated: 2025-09-29. Review status: criteria provided, single submitter. Criteria: GeneDx Variant Classification Process June 2021. Collection method: clinical testing. Allele origin: germline.
Comment: Not observed at significant frequency in large population cohorts (gnomAD); In silico analysis supports that this missense variant has a deleterious effect on protein structure/function; This variant is associated with the following publications: (PMID: 25907466, 35058154, 20591885)

Labcorp Genetics (formerly Invitae), Labcorp
Classification: Pathogenic for Marfan syndrome; Familial thoracic aortic aneurysm and aortic dissection. Last evaluated: 2025-03-31. Review status: criteria provided, single submitter. Criteria: Invitae Variant Classification Sherloc (09022015). Collection method: clinical testing. Allele origin: germline.
Comment: This sequence change replaces asparagine, which is neutral and polar, with lysine, which is basic and polar, at codon 2267 of the FBN1 protein (p.Asn2267Lys). This variant is not present in population databases (gnomAD no frequency). This missense change has been observed in individuals with clinical features of Marfan syndrome (PMID: 25907466; internal data). ClinVar contains an entry for this variant (Variation ID: 457252). Invitae Evidence Modeling of protein sequence and biophysical properties (such as structural, functional, and spatial information, amino acid conservation, physicochemical variation, residue mobility, and thermodynamic stability) indicates that this missense variant is expected to disrupt FBN1 protein function with a positive predictive value of 95%. For these reasons, this variant has been classified as Pathogenic.

Centre of Medical Genetics, University of Antwerp
Classification: Likely pathogenic for Marfan syndrome. Last evaluated: 2021-03-01. Review status: criteria provided, single submitter. Criteria: Submitter's publication. Collection method: research. Allele origin: unknown. Affected: yes.
Comment: PM2, PS6, PP4

Women's Health and Genetics/Laboratory Corporation of America, LabCorp
Classification: Uncertain significance. Last evaluated: 2016-11-17. Review status: criteria provided, single submitter. Criteria: LabCorp Variant Classification Summary - May 2015. Collection method: clinical testing. Allele origin: germline.
Comment: Variant summary: The FBN1 c.6801C>G (p.Asn2267Lys) variant involves the alteration of a conserved nucleotide. This variant is located within the calcium-binding EGF-like domain. 4/4 in silico tools predict a damaging outcome for this variant (SNPs&GO not captured due to low reliability index). This variant has been reported in at least 1 patients with classical MFS and is absent from 121328 control chromosomes. In addition, another alteration of this codon, c.6800A>T (p.N2267I) was reported in a pt with Classical MFS. Taken together, this variant is classified as VUS-Possibly Pathogenic.

Literature cited by the submitters: PubMed 25907466 (cited by Labcorp Genetics (formerly Invitae), Labcorp and Women's Health and Genetics/Laboratory Corporation of America, LabCorp); PubMed 27527004 (cited by Women's Health and Genetics/Laboratory Corporation of America, LabCorp).

NM_000138.5(FBN1):c.6801C>G (p.Asn2267Lys)

Gene: FBN1 (fibrillin 1; minus strand). Cytogenetic location: 15q21.1.
Variant type: single nucleotide variant.
Coding change: c.6801C>G on transcript NM_000138.5 (MANE Select); coding-DNA position 6801, C replaced by G.
Protein change: p.Asn2267Lys; replaces asparagine 2267 with lysine.
Molecular consequence: missense variant.
Genome position (GRCh38, 1-based): chr15:48,430,741, G>C on the plus strand (C>G on the coding strand, the complement: FBN1 is on the minus strand). VCF-style: chr15-48430741-G-C. GRCh37 (hg19) VCF-style: chr15-48722938-G-C.
Other names: short protein forms N2267K.
Identifiers: ClinVar variation 457252 (VCV000457252.25), dbSNP rs886051245, ClinGen allele CA392332416.
Genomic context (GRCh38, chr15:48,430,741, plus strand): 5'-TTCTCCATCAGGTCTCCGCTGATACCCGGGTCCACAGATGCACATATATGTGCCAATGAG[G>C]TTCTTGCATTCCATTTGTTTTTCAGTACAGTCATGTTTTCCCTCTTCACACTCATCCTCA-3'
Protein context (NP_000129.3, residues 2257-2277): DCTEKQMECK[Asn2267Lys]LIGTYMCICG